The following is an entry in ClinVar:

NM_019098.5(CNGB3):c.241G>A (p.Asp81Asn)

Gene: CNGB3 (cyclic nucleotide gated channel subunit beta 3; minus strand). Cytogenetic location: 8q21.3.
Variant type: single nucleotide variant.
Coding change: c.241G>A on transcript NM_019098.5 (MANE Select); coding-DNA position 241, G replaced by A.
Protein change: p.Asp81Asn; replaces aspartic acid 81 with asparagine.
Molecular consequence: missense variant.
Genome position (GRCh38, 1-based): chr8:86,726,628, C>T on the plus strand (G>A on the coding strand, the complement: CNGB3 is on the minus strand). VCF-style: chr8-86726628-C-T. GRCh37 (hg19) VCF-style: chr8-87738856-C-T.
Other names: short protein forms D81N.
Identifiers: ClinVar variation 363885 (VCV000363885.9), dbSNP rs148834016, ClinGen allele CA4800454.

ClinVar aggregate classification (germline): Uncertain significance. Review status: criteria provided, single submitter (1 of 4 stars). 2 submissions from 2 submitters: Uncertain significance (1). 1 of the submissions does not count toward it. Last evaluated 2024-03-11.

Conditions:
Retinal dystrophy. Also called: Inherited retinal dystrophy. Identifiers: Orphanet 71862, MedGen C0854723, MeSH D058499, MONDO:0019118, HP:0000556.

Allele frequency attached by ClinVar (database versions not stated): TOPMed below 0.00001; gnomAD 0.00001; gnomAD exomes 0.00001; ExAC 0.00002; ESP Exome Variant Server 0.00008.
gnomAD v4.1: 16 of 1,613,554 alleles (0.00099%); highest among the groups gnomAD compares: Non-Finnish European, 0.0011%; no homozygotes.

Submissions (2):

Labcorp Genetics (formerly Invitae), Labcorp
Classification: Uncertain significance. Last evaluated: 2024-03-11. Review status: criteria provided, single submitter. Criteria: Invitae Variant Classification Sherloc (09022015). Collection method: clinical testing. Allele origin: germline.
Comment: This sequence change replaces aspartic acid, which is acidic and polar, with asparagine, which is neutral and polar, at codon 81 of the CNGB3 protein (p.Asp81Asn). This variant is present in population databases (rs148834016, gnomAD 0.004%). This variant has not been reported in the literature in individuals affected with CNGB3-related conditions. ClinVar contains an entry for this variant (Variation ID: 363885). Advanced modeling of protein sequence and biophysical properties (such as structural, functional, and spatial information, amino acid conservation, physicochemical variation, residue mobility, and thermodynamic stability) performed at Invitae indicates that this missense variant is not expected to disrupt CNGB3 protein function with a negative predictive value of 95%. In summary, the available evidence is currently insufficient to determine the role of this variant in disease. Therefore, it has been classified as a Variant of Uncertain Significance.

Institute of Human Genetics, Univ. Regensburg, Univ. Regensburg
Classification: Uncertain significance for Retinal dystrophy. Last evaluated: 2013-01-01. Review status: no assertion criteria provided. Criteria: ACMG Guidelines, 2015. Collection method: clinical testing. Allele origin: germline. Affected: yes. Not counted in ClinVar's aggregate classification.